The following is an entry in ClinVar:

ClinVar aggregate classification (germline): Likely benign. Review status: criteria provided, multiple submitters, no conflicts (2 of 4 stars). 2 submissions from 2 submitters: Likely benign (2). Last evaluated 2024-09-01.

Allele frequency attached by ClinVar (database versions not stated): gnomAD exomes 0.00001.
gnomAD v4.1: 9 of 1,614,240 alleles (0.00056%); highest among the groups gnomAD compares: Non-Finnish European, 0.00076%; no homozygotes.

Submissions (2):

CeGaT Center for Human Genetics Tuebingen
Classification: Likely benign. Last evaluated: 2024-09-01. Review status: criteria provided, single submitter. Criteria: CeGaT Center For Human Genetics Tuebingen Variant Classification Criteria Version 2. Collection method: clinical testing. Allele origin: germline. Affected: yes. Observed: 1 variant allele.
Comment: DNAH9: BP4, BP7

Labcorp Genetics (formerly Invitae), Labcorp
Classification: Likely benign. Last evaluated: 2023-09-05. Review status: criteria provided, single submitter. Criteria: Invitae Variant Classification Sherloc (09022015). Collection method: clinical testing. Allele origin: germline.

NM_001372.4(DNAH9):c.8349G>A (p.Glu2783=)

Gene: DNAH9 (dynein axonemal heavy chain 9; plus strand). Cytogenetic location: 17p12.
Variant type: single nucleotide variant.
Coding change: c.8349G>A on transcript NM_001372.4 (MANE Select); coding-DNA position 8349, G replaced by A.
Protein change: p.Glu2783=; no amino-acid change (glutamic acid 2783 retained).
Molecular consequence: synonymous variant.
Genome position (GRCh38, 1-based): chr17:11,797,722, G>A. VCF-style: chr17-11797722-G-A. GRCh37 (hg19) VCF-style: chr17-11701039-G-A.
Identifiers: ClinVar variation 2728190 (VCV002728190.17), dbSNP rs1186010492, ClinGen allele CA497880772.